The following is an entry in ClinVar:

ClinVar aggregate classification (germline): Uncertain significance. Review status: criteria provided, multiple submitters, no conflicts (2 of 4 stars). 2 submissions from 2 submitters: Uncertain significance (2). Last evaluated 2026-01-31.

Conditions:
Bethlem myopathy 2 (BTHLM2). Identifiers: Orphanet 536516, Orphanet 610, MedGen C4225313, MONDO:0034022, OMIM 616471.
Ullrich congenital muscular dystrophy 2 (UCMD2). Identifiers: Orphanet 75840, MedGen C4225314, MONDO:0014654, OMIM 616470.

gnomAD v4.1: 3 of 1,612,070 alleles (0.00019%); highest among the groups gnomAD compares: Non-Finnish European, 0.00025%; no homozygotes.

Submissions (2):

Labcorp Genetics (formerly Invitae), Labcorp
Classification: Uncertain significance for Bethlem myopathy 2; Ullrich congenital muscular dystrophy 2. Last evaluated: 2026-01-31. Review status: criteria provided, single submitter. Criteria: Invitae Variant Classification Sherloc (09022015). Collection method: clinical testing. Allele origin: germline.
Comment: This sequence change replaces glutamic acid, which is acidic and polar, with lysine, which is basic and polar, at codon 734 of the COL12A1 protein (p.Glu734Lys). This variant is present in population databases (no rsID available, gnomAD 0.007%). This variant has not been reported in the literature in individuals affected with COL12A1-related conditions. ClinVar contains an entry for this variant (Variation ID: 4071776). Invitae Evidence Modeling of protein sequence and biophysical properties (such as structural, functional, and spatial information, amino acid conservation, physicochemical variation, residue mobility, and thermodynamic stability) has been performed for this missense variant. However, the output from this modeling did not meet the statistical confidence thresholds required to predict the impact of this variant on COL12A1 protein function. In summary, the available evidence is currently insufficient to determine the role of this variant in disease. Therefore, it has been classified as a Variant of Uncertain Significance.

GeneDx
Classification: Uncertain significance. Last evaluated: 2025-01-22. Review status: criteria provided, single submitter. Criteria: GeneDx Variant Classification Process June 2021. Collection method: clinical testing. Allele origin: germline. Affected: yes.
Comment: Not observed at significant frequency in large population cohorts (gnomAD); In silico analysis indicates that this missense variant does not alter protein structure/function; Has not been previously published as pathogenic or benign to our knowledge

NM_004370.6(COL12A1):c.2200G>A (p.Glu734Lys)

Gene: COL12A1 (collagen type XII alpha 1 chain; minus strand). Cytogenetic location: 6q13.
Variant type: single nucleotide variant.
Coding change: c.2200G>A on transcript NM_004370.6 (MANE Select); coding-DNA position 2200, G replaced by A.
Protein change: p.Glu734Lys; replaces glutamic acid 734 with lysine.
Molecular consequence: missense variant. On other transcripts: intron variant (2).
Genome position (GRCh38, 1-based): chr6:75,177,900, C>T on the plus strand (G>A on the coding strand, the complement: COL12A1 is on the minus strand). VCF-style: chr6-75177900-C-T. GRCh37 (hg19) VCF-style: chr6-75887616-C-T.
Other names: c.2200G>A, p.Glu734Lys (NM_001424113.1, NM_001424114.1, NM_001424115.1); c.73+24820G>A (NM_001424116.1, NM_080645.3); short protein forms E734K.
Identifiers: ClinVar variation 4071776 (VCV004071776.2).